The following is an entry in ClinVar:

NM_177965.4(CFAP418):c.528A>G (p.Thr176=)

Gene: CFAP418 (cilia and flagella associated protein 418; minus strand). Cytogenetic location: 8q22.1.
Variant type: single nucleotide variant.
Coding change: c.528A>G on transcript NM_177965.4 (MANE Select); coding-DNA position 528, A replaced by G.
Protein change: p.Thr176=; no amino-acid change (threonine 176 retained).
Molecular consequence: synonymous variant.
Genome position (GRCh38, 1-based): chr8:95,247,713, T>C on the plus strand (A>G on the coding strand, the complement: CFAP418 is on the minus strand). VCF-style: chr8-95247713-T-C. GRCh37 (hg19) VCF-style: chr8-96259941-T-C.
Other names: c.432A>G, p.Thr144= (NM_001363260.1).
Identifiers: ClinVar variation 363999 (VCV000363999.29), dbSNP rs143748636, ClinGen allele CA4815118.
Genomic context (GRCh38, chr8:95,247,713, plus strand): 5'-TGTCTGAAGGTCAGTCACTTCTTCAATAGTTCTCCAGCTACACTGGCAGGCATATGCCCG[T>C]GTTCCTTTCTTCTTTATCAACTTTGCTTTTAATTTGTGAAATTCTGGCATGTTGTTCCTA-3'
Protein context (NP_808880.1, residues 166-186): LKAKLIKKKG[Thr176=]RAYACQCSWR

ClinVar aggregate classification (germline): Conflicting classifications of pathogenicity. Review status: criteria provided, conflicting classifications (1 of 4 stars). 9 submissions from 7 submitters: Uncertain significance (2); Benign (1); Likely benign (3). 3 of the submissions do not count toward it. Last evaluated 2026-01-26.

Conditions:
Cone-rod dystrophy 16 (CORD16). Identifiers: MedGen C3281045, MONDO:0013786, OMIM 614500.
Retinitis pigmentosa (RP). Identifiers: Orphanet 791, MedGen C0035334, MeSH D012174, MONDO:0019200, OMIM 268000. Inheritance: Autosomal dominant, autosomal recessive and X linked inheritance.

Allele frequency attached by ClinVar (database versions not stated): 1000 Genomes Project 0.00100; 1000 Genomes Project 30x 0.00109; gnomAD 0.00146 and 0.00155; gnomAD exomes 0.00152 and 0.00233; ExAC 0.00154; TOPMed 0.00171; ESP Exome Variant Server 0.00231.
gnomAD v4.1: 3,605 of 1,613,924 alleles (0.22%); highest among the groups gnomAD compares: Non-Finnish European, 0.28%; 11 homozygotes.

Submissions (9):

Labcorp Genetics (formerly Invitae), Labcorp
Classification: Benign. Last evaluated: 2026-01-26. Review status: criteria provided, single submitter. Criteria: Invitae Variant Classification Sherloc (09022015). Collection method: clinical testing. Allele origin: germline.

CeGaT Center for Human Genetics Tuebingen
Classification: Likely benign. Last evaluated: 2025-06-01. Review status: criteria provided, single submitter. Criteria: CeGaT Center For Human Genetics Tuebingen Variant Classification Criteria Version 2. Collection method: clinical testing. Allele origin: germline. Affected: yes. Observed: 1 variant allele.
Comment: CFAP418: BP4, BP7

Blueprint Genetics
Classification: Likely benign. Last evaluated: 2024-11-27. Review status: criteria provided, single submitter. Criteria: ACMG Guidelines, 2015. Collection method: clinical testing. Allele origin: germline.

Illumina Laboratory Services, Illumina
Classification: Uncertain significance for Cone-rod dystrophy 16. Last evaluated: 2018-01-13. Review status: criteria provided, single submitter. Criteria: ICSL Variant Classification Criteria 13 December 2019. Collection method: clinical testing. Allele origin: germline.

Illumina Laboratory Services, Illumina
Classification: Uncertain significance for Retinitis pigmentosa. Last evaluated: 2018-01-13. Review status: criteria provided, single submitter. Criteria: ICSL Variant Classification Criteria 13 December 2019. Collection method: clinical testing. Allele origin: germline.

Clinical Genetics DNA and cytogenetics Diagnostics Lab, Erasmus MC, Erasmus Medical Center
Classification: Likely benign for Cone-rod dystrophy 16. Last evaluated: 2017-06-28. Review status: criteria provided, single submitter. Criteria: ACGS Guidelines, 2013. Collection method: clinical testing. Allele origin: germline. Affected: yes. Study: VKGL Data-share Consensus.

Clinical Genetics DNA and cytogenetics Diagnostics Lab, Erasmus MC, Erasmus Medical Center
Classification: Likely benign. Review status: no assertion criteria provided. Collection method: clinical testing. Allele origin: germline. Affected: yes. Study: VKGL Data-share Consensus. Not counted in ClinVar's aggregate classification.

Clinical Genetics, Academic Medical Center
Classification: Benign. Review status: no assertion criteria provided. Collection method: clinical testing. Allele origin: germline. Affected: yes. Study: VKGL Data-share Consensus. Not counted in ClinVar's aggregate classification.

Genome Diagnostics Laboratory, University Medical Center Utrecht
Classification: Likely benign. Review status: no assertion criteria provided. Collection method: clinical testing. Allele origin: germline. Affected: yes. Study: VKGL Data-share Consensus. Not counted in ClinVar's aggregate classification.